The following is an entry in ClinVar:

NM_003659.4(AGPS):c.1350T>G (p.Phe450Leu)

Gene: AGPS (alkylglycerone phosphate synthase; plus strand). Cytogenetic location: 2q31.2.
Variant type: single nucleotide variant.
Coding change: c.1350T>G on transcript NM_003659.4 (MANE Select); coding-DNA position 1350, T replaced by G.
Protein change: p.Phe450Leu; replaces phenylalanine 450 with leucine.
Molecular consequence: missense variant.
Genome position (GRCh38, 1-based): chr2:177,497,753, T>G. VCF-style: chr2-177497753-T-G. GRCh37 (hg19) VCF-style: chr2-178362481-T-G.
Other names: c.1350T>G (NM_003659.3); short protein forms F450L.
Identifiers: ClinVar variation 1378883 (VCV001378883.7), dbSNP rs1337672529, ClinGen allele CA349364754.

ClinVar aggregate classification (germline): Uncertain significance. Review status: criteria provided, multiple submitters, no conflicts (2 of 4 stars). 2 submissions from 2 submitters: Uncertain significance (2). Last evaluated 2025-12-16.

Conditions:
Inborn genetic diseases. Identifiers: MedGen C0950123, MeSH D030342.

Allele frequency attached by ClinVar (database versions not stated): gnomAD 0.00001; TOPMed 0.00002.

Submissions (2):

Ambry Genetics
Classification: Uncertain significance for Inborn genetic diseases. Last evaluated: 2025-12-16. Review status: criteria provided, single submitter. Criteria: Ambry Variant Classification Scheme 2023. Collection method: clinical testing. Allele origin: germline.

Labcorp Genetics (formerly Invitae), Labcorp
Classification: Uncertain significance. Last evaluated: 2022-08-15. Review status: criteria provided, single submitter. Criteria: Invitae Variant Classification Sherloc (09022015). Collection method: clinical testing. Allele origin: germline.
Comment: In summary, the available evidence is currently insufficient to determine the role of this variant in disease. Therefore, it has been classified as a Variant of Uncertain Significance. Algorithms developed to predict the effect of missense changes on protein structure and function (SIFT, PolyPhen-2, Align-GVGD) all suggest that this variant is likely to be tolerated. ClinVar contains an entry for this variant (Variation ID: 1378883). This variant has not been reported in the literature in individuals affected with AGPS-related conditions. This variant is not present in population databases (gnomAD no frequency). This sequence change replaces phenylalanine, which is neutral and non-polar, with leucine, which is neutral and non-polar, at codon 450 of the AGPS protein (p.Phe450Leu).